The following is an entry in ClinVar:

NM_002693.3(POLG):c.124C>T (p.Arg42Trp)

Genes: POLGARF (POLG alternative reading frame; minus strand), POLG (DNA polymerase gamma, catalytic subunit; minus strand). Cytogenetic location: 15q26.1.
Variant type: single nucleotide variant.
Coding change: c.124C>T on transcript NM_002693.3 (MANE Select); coding-DNA position 124, C replaced by T.
Protein change: p.Arg42Trp; replaces arginine 42 with tryptophan.
Molecular consequence: missense variant.
Genome position (GRCh38, 1-based): chr15:89,333,631, G>A on the plus strand (C>T on the coding strand, the complement: POLG is on the minus strand). VCF-style: chr15-89333631-G-A. GRCh37 (hg19) VCF-style: chr15-89876862-G-A.
Other names: c.179C>T, p.Ala60Val (NM_001430120.1); c.124C>T, p.Arg42Trp (NM_001126131.2); short protein forms R42W, A60V.
Identifiers: ClinVar variation 3692589 (VCV003692589.2).
Genomic context (GRCh38, chr15:89,333,631, plus strand): 5'-GCACTTGCGGCTGCTGAGGCTGCTGTTGCTGCTGCTGCTGCTGCTGCTGCTGCTGCTGCC[G>A]CCGCCGCTGCCCGTCGCTGGGGTCGGACGCGGGGACGGAGCTGGAGACCCAGCGCCCCGG-3'
Protein context (NP_002684.1, residues 32-52): ASDPSDGQRR[Arg42Trp]QQQQQQQQQQ

ClinVar aggregate classification (germline): Uncertain significance (1 of 4 stars; one submission).

Conditions:
Progressive sclerosing poliodystrophy (MTDPS4A). Also called: ALPERS PROGRESSIVE INFANTILE POLIODYSTROPHY; NEURONAL DEGENERATION OF CHILDHOOD WITH LIVER DISEASE, PROGRESSIVE; Alpers Syndrome; ALPERS DIFFUSE DEGENERATION OF CEREBRAL GRAY MATTER WITH HEPATIC CIRRHOSIS; Alpers-Huttenlocher Syndrome; Mitochondrial DNA depletion syndrome 4A (Alpers type). Identifiers: Orphanet 726, MedGen C0205710, MONDO:0008758, OMIM 203700.

Submission:

Labcorp Genetics (formerly Invitae), Labcorp
Classification: Uncertain significance for Progressive sclerosing poliodystrophy. Last evaluated: 2024-02-23. Review status: criteria provided, single submitter. Criteria: Invitae Variant Classification Sherloc (09022015). Collection method: clinical testing. Allele origin: germline.
Comment: This sequence change replaces arginine, which is basic and polar, with tryptophan, which is neutral and slightly polar, at codon 42 of the POLG protein (p.Arg42Trp). This variant is not present in population databases (gnomAD no frequency). This variant has not been reported in the literature in individuals affected with POLG-related conditions. Advanced modeling of protein sequence and biophysical properties (such as structural, functional, and spatial information, amino acid conservation, physicochemical variation, residue mobility, and thermodynamic stability) performed at Invitae indicates that this missense variant is not expected to disrupt POLG protein function with a negative predictive value of 95%. In summary, the available evidence is currently insufficient to determine the role of this variant in disease. Therefore, it has been classified as a Variant of Uncertain Significance.